The following is an entry in ClinVar:

NM_020812.4(DOCK6):c.269G>A (p.Arg90Gln)

Gene: DOCK6 (dedicator of cytokinesis 6; minus strand). Cytogenetic location: 19p13.2.
Variant type: single nucleotide variant.
Coding change: c.269G>A on transcript NM_020812.4 (MANE Select); coding-DNA position 269, G replaced by A.
Protein change: p.Arg90Gln; replaces arginine 90 with glutamine.
Molecular consequence: missense variant.
Genome position (GRCh38, 1-based): chr19:11,252,822, C>T on the plus strand (G>A on the coding strand, the complement: DOCK6 is on the minus strand). VCF-style: chr19-11252822-C-T. GRCh37 (hg19) VCF-style: chr19-11363498-C-T.
Other names: c.269G>A, p.Arg90Gln (NM_001367830.1); c.269G>A (NM_020812.2); short protein forms R90Q.
Identifiers: ClinVar variation 1512198 (VCV001512198.4), dbSNP rs769102864, ClinGen allele CA9208581.

ClinVar aggregate classification (germline): Uncertain significance. Review status: criteria provided, multiple submitters, no conflicts (2 of 4 stars). 2 submissions from 2 submitters: Uncertain significance (2). Last evaluated 2023-11-29.

Conditions:
Inborn genetic diseases. Identifiers: MedGen C0950123, MeSH D030342.

Allele frequency attached by ClinVar (database versions not stated): gnomAD 0.00004 and 0.00006; gnomAD exomes 0.00005; ExAC 0.00006; TOPMed 0.00018.
gnomAD v4.1: 67 of 1,613,224 alleles (0.0042%); highest among the groups gnomAD compares: East Asian, 0.033%; no homozygotes.

Submissions (2):

Ambry Genetics
Classification: Uncertain significance for Inborn genetic diseases. Last evaluated: 2023-11-29. Review status: criteria provided, single submitter. Criteria: Ambry Variant Classification Scheme 2023. Collection method: clinical testing. Allele origin: germline.

Labcorp Genetics (formerly Invitae), Labcorp
Classification: Uncertain significance. Last evaluated: 2022-10-05. Review status: criteria provided, single submitter. Criteria: Invitae Variant Classification Sherloc (09022015). Collection method: clinical testing. Allele origin: germline.
Comment: This sequence change replaces arginine, which is basic and polar, with glutamine, which is neutral and polar, at codon 90 of the DOCK6 protein (p.Arg90Gln). This variant is present in population databases (rs769102864, gnomAD 0.02%). This variant has not been reported in the literature in individuals affected with DOCK6-related conditions. ClinVar contains an entry for this variant (Variation ID: 1512198). Advanced modeling of protein sequence and biophysical properties (such as structural, functional, and spatial information, amino acid conservation, physicochemical variation, residue mobility, and thermodynamic stability) performed at Invitae indicates that this missense variant is not expected to disrupt DOCK6 protein function. In summary, the available evidence is currently insufficient to determine the role of this variant in disease. Therefore, it has been classified as a Variant of Uncertain Significance.